The following is an entry in ClinVar:

ClinVar aggregate classification (germline): Uncertain significance (1 of 4 stars; one submission).

Submission:

GeneDx
Classification: Uncertain significance. Last evaluated: 2023-05-31. Review status: criteria provided, single submitter. Criteria: GeneDx Variant Classification Process June 2021. Collection method: clinical testing. Allele origin: germline. Affected: yes.
Comment: In-frame deletion 5 amino acids within a homopolymer region; Not observed at significant frequency in large population cohorts (gnomAD); In silico analysis supports that this variant does not alter protein structure/function; Has not been previously published as pathogenic or benign to our knowledge

NM_001128228.3(TPRN):c.1850_1864del (p.Glu617_Glu621del)

Gene: TPRN (taperin; minus strand). Cytogenetic location: 9q34.3.
Variant type: Deletion.
Coding change: c.1850_1864del on transcript NM_001128228.3 (MANE Select); coding-DNA positions 1850 to 1864, 15 bases deleted (AAGAGGAGGAAGAGG).
Protein change: p.Glu617_Glu621del.
Genome position (GRCh38, 1-based): chr9:137,192,553-137,192,567, CCTCTTCCTCCTCTT deleted on the plus strand (AAGAGGAGGAAGAGG on the coding strand, the reverse complement: TPRN is on the minus strand); deleting any 15 consecutive bases within chr9:137,192,553-137,192,580 gives the same sequence; the c. name uses the placement nearest the transcript's 3' end. VCF-style (leftmost placement, unchanged base first): chr9-137192552-CCCTCTTCCTCCTCTT-C. GRCh37 (hg19) VCF-style: chr9-140087004-CCCTCTTCCTCCTCTT-C.
Identifiers: ClinVar variation 3361974 (VCV003361974.1).